The following is an entry in ClinVar:

NM_005120.3(MED12):c.2409C>G (p.Asp803Glu)

Gene: MED12 (mediator complex subunit 12; plus strand). Cytogenetic location: Xq13.1.
Variant type: single nucleotide variant.
Coding change: c.2409C>G on transcript NM_005120.3 (MANE Select); coding-DNA position 2409, C replaced by G.
Protein change: p.Asp803Glu; replaces aspartic acid 803 with glutamic acid.
Molecular consequence: missense variant.
Genome position (GRCh38, 1-based): chrX:71,125,700, C>G. VCF-style: chrX-71125700-C-G. GRCh37 (hg19) VCF-style: chrX-70345550-C-G.
Other names: short protein forms D803E.
Identifiers: ClinVar variation 3710021 (VCV003710021.2).

ClinVar aggregate classification (germline): Uncertain significance (1 of 4 stars; one submission).

Conditions:
FG syndrome (FGS). Identifiers: MedGen C0220769, MONDO:0002010.

gnomAD v4.1: 7 of 1,174,649 alleles (0.0006%); highest among the groups gnomAD compares: Middle Eastern, 0.024%; no homozygotes.

Submission:

Labcorp Genetics (formerly Invitae), Labcorp
Classification: Uncertain significance for FG syndrome. Last evaluated: 2024-08-04. Review status: criteria provided, single submitter. Criteria: Invitae Variant Classification Sherloc (09022015). Collection method: clinical testing. Allele origin: germline.
Comment: This sequence change replaces aspartic acid, which is acidic and polar, with glutamic acid, which is acidic and polar, at codon 803 of the MED12 protein (p.Asp803Glu). This variant is not present in population databases (gnomAD no frequency). This variant has not been reported in the literature in individuals affected with MED12-related conditions. Advanced modeling of protein sequence and biophysical properties (such as structural, functional, and spatial information, amino acid conservation, physicochemical variation, residue mobility, and thermodynamic stability) performed at Invitae indicates that this missense variant is not expected to disrupt MED12 protein function with a negative predictive value of 95%. In summary, the available evidence is currently insufficient to determine the role of this variant in disease. Therefore, it has been classified as a Variant of Uncertain Significance.